The following is an entry in ClinVar:

NM_003085.5(SNCB):c.269C>T (p.Pro90Leu)

Gene: SNCB (synuclein beta; minus strand). Cytogenetic location: 5q35.2.
Variant type: single nucleotide variant.
Coding change: c.269C>T on transcript NM_003085.5 (MANE Select); coding-DNA position 269, C replaced by T.
Protein change: p.Pro90Leu; replaces proline 90 with leucine.
Molecular consequence: missense variant.
Genome position (GRCh38, 1-based): chr5:176,626,411, G>A on the plus strand (C>T on the coding strand, the complement: SNCB is on the minus strand). VCF-style: chr5-176626411-G-A. GRCh37 (hg19) VCF-style: chr5-176053412-G-A.
Other names: c.269C>T, p.Pro90Leu (NM_001001502.3, NM_001318035.2, NM_001318037.2 and 1 more transcripts); c.227C>T, p.Pro76Leu (NM_001318034.2, NM_001318036.2); short protein forms P90L, P76L.
Identifiers: ClinVar variation 3024092 (VCV003024092.1), dbSNP rs2532208433, ClinGen allele CA362261093.

ClinVar aggregate classification (germline): Uncertain significance (1 of 4 stars; one submission).

Conditions:
Lewy body dementia (DLB). Also called: Lewy Body Disease. Identifiers: MedGen C0752347, MONDO:0007488, OMIM 127750.

Submission:

Neuberg Centre For Genomic Medicine, NCGM
Classification: Uncertain significance for Lewy body dementia. Review status: criteria provided, single submitter. Criteria: ACMG Guidelines, 2015. Collection method: clinical testing. Allele origin: germline. Inheritance: Autosomal dominant inheritance. Affected: yes. Observed: 1 heterozygote.
Comment: The missense variant c.269C>T (p.Pro90Leu) in the SNCB gene has not been reported previously as a pathogenic variant nor as a benign variant, to our knowledge. This variant is novel (not in any individuals) in gnomAD Exomes and 1000 Genomes. The amino acid Proline at position 90 is changed to a Leucine changing protein sequence and it might alter its composition and physico-chemical properties. The variant is predicted as damaging by SIFT. The amino acid change p.Pro90Leu in SNCB is predicted as conserved by GERP++ and PhyloP across 100 vertebrates. For these reasons, this variant has been classified as Uncertain Significance.